The following is an entry in ClinVar:

ClinVar aggregate classification (germline): Likely benign. Review status: criteria provided, multiple submitters, no conflicts (2 of 4 stars). 3 submissions from 3 submitters: Likely benign (2). 1 of the submissions does not count toward it. Last evaluated 2024-07-08.

Conditions:
RAD51B-related disorder. Also called: RAD51B-related condition.
Hereditary breast ovarian cancer syndrome. Also called: Hereditary breast and ovarian cancer syndrome; BRCA1- and BRCA2-Associated Hereditary Breast and Ovarian Cancer; Hereditary breast and ovarian cancer syndrome (HBOC); Hereditary breast and/or ovarian cancer syndrome; Breast and ovarian cancer; Hereditary breast and ovarian cancer. Identifiers: Orphanet 145, MedGen C0677776, MeSH D061325, MONDO:0003582. Disease mechanism: loss of function.

Allele frequency attached by ClinVar (database versions not stated): gnomAD 0.00009 and 0.00025; TOPMed 0.00012; gnomAD exomes 0.00047; ExAC 0.00053; 1000 Genomes Project 30x 0.00156; 1000 Genomes Project 0.00180.
gnomAD v4.1: 384 of 1,608,480 alleles (0.024%); highest among the groups gnomAD compares: South Asian, 0.34%; 3 homozygotes.

Submissions (3):

Ambry Genetics
Classification: Likely benign. Last evaluated: 2024-07-08. Review status: criteria provided, single submitter. Criteria: Ambry Variant Classification Scheme 2023. Collection method: clinical testing. Allele origin: germline.

National Health Laboratory Service, Universitas Academic Hospital and University of the Free State
Classification: Likely benign for Hereditary breast ovarian cancer syndrome. Last evaluated: 2022-04-19. Review status: criteria provided, single submitter. Criteria: ACMG Guidelines, 2015. Collection method: clinical testing. Allele origin: germline. Affected: yes. Observed: 2 variant alleles.

PreventionGenetics, part of Exact Sciences
Classification: Likely benign for RAD51B-related condition. Last evaluated: 2020-09-08. Review status: no assertion criteria provided. Collection method: clinical testing. Allele origin: germline. Not counted in ClinVar's aggregate classification.
Comment: This variant is classified as likely benign based on ACMG/AMP sequence variant interpretation guidelines (Richards et al. 2015 PMID: 25741868, with internal and published modifications).

NM_133510.4(RAD51B):c.476G>A (p.Arg159His)

Gene: RAD51B (RAD51 paralog B; plus strand). Cytogenetic location: 14q24.1.
Variant type: single nucleotide variant.
Coding change: c.476G>A on transcript NM_133510.4 (MANE Select); coding-DNA position 476, G replaced by A.
Protein change: p.Arg159His; replaces arginine 159 with histidine.
Molecular consequence: missense variant.
Genome position (GRCh38, 1-based): chr14:67,885,892, G>A. VCF-style: chr14-67885892-G-A. GRCh37 (hg19) VCF-style: chr14-68352609-G-A.
Other names: NP_001308747.1:p.Arg159His; c.476G>A, p.Arg159His (NM_001321810.2, NM_001321812.1, NM_001321814.2 and 6 more transcripts); c.362G>A, p.Arg121His (NM_001321815.1); c.119G>A, p.Arg40His (NM_001321817.2); c.476G>A (NM_133510.3, NM_133509.3); short protein forms R121H, R159H, R40H.
Identifiers: ClinVar variation 1678949 (VCV001678949.4), dbSNP rs548280411, ClinGen allele CA7241109.